The following is an entry in ClinVar:

ClinVar aggregate classification (germline): Uncertain significance (1 of 4 stars; one submission).

Submission:

Dasa
Classification: Uncertain significance. Last evaluated: 2025-12-29. Review status: criteria provided, single submitter. Criteria: DASA Assertion Criteria. Collection method: clinical testing. Allele origin: germline.
Comment: NM_013450.4(BAZ2B):c.1322A>G (p.Gln441Arg) is a missense variant that results in the substitution of glutamine with arginine. This variant is rare in population databases. The currently available literature and clinical evidence are not sufficient to establish a definitive association between this variant and the reported condition. Therefore, this variant is classified as a variant of uncertain significance.

NM_013450.4(BAZ2B):c.1322A>G (p.Gln441Arg)

Gene: BAZ2B (bromodomain adjacent to zinc finger domain 2B; minus strand). Cytogenetic location: 2q24.2.
Variant type: single nucleotide variant.
Coding change: c.1322A>G on transcript NM_013450.4 (MANE Select); coding-DNA position 1322, A replaced by G.
Protein change: p.Gln441Arg; replaces glutamine 441 with arginine.
Molecular consequence: missense variant.
Genome position (GRCh38, 1-based): chr2:159,433,335, T>C on the plus strand (A>G on the coding strand, the complement: BAZ2B is on the minus strand). VCF-style: chr2-159433335-T-C. GRCh37 (hg19) VCF-style: chr2-160289846-T-C.
Other names: c.1316A>G, p.Gln439Arg (NM_001289975.1); c.1133A>G, p.Gln378Arg (NM_001329857.2); c.1322A>G, p.Gln441Arg (NM_001329858.2); short protein forms Q378R, Q439R, Q441R.
Identifiers: ClinVar variation 4882048 (VCV004882048.2).